The following is an entry in ClinVar:

NM_000020.3(ACVRL1):c.601C>T (p.Gln201Ter)

Gene: ACVRL1 (activin A receptor like type 1; plus strand). Cytogenetic location: 12q13.13.
Variant type: single nucleotide variant.
Coding change: c.601C>T on transcript NM_000020.3 (MANE Select); coding-DNA position 601, C replaced by T.
Protein change: p.Gln201Ter; replaces glutamine 201 with a stop codon.
Molecular consequence: nonsense.
Genome position (GRCh38, 1-based): chr12:51,914,049, C>T. VCF-style: chr12-51914049-C-T. GRCh37 (hg19) VCF-style: chr12-52307833-C-T.
Other names: p.Gln201*; c.601C>T, p.Gln201Ter (NM_001077401.2); short protein forms Q201*.
Identifiers: ClinVar variation 523779 (VCV000523779.28), dbSNP rs1318446539, ClinGen allele CA384899825.
Genomic context (GRCh38, chr12:51,914,049, plus strand): 5'-GACTGCACCACAGGGAGTGGCTCAGGGCTCCCCTTCCTGGTGCAGAGGACAGTGGCACGG[C>T]AGGTTGCCTTGGTGGAGTGTGTGGGTGAGCAGTGGGTGAGCCCGGTGGATGAGGACCAAG-3'

ClinVar aggregate classification (germline): Pathogenic. Review status: criteria provided, multiple submitters, no conflicts (2 of 4 stars). 7 submissions from 7 submitters: Pathogenic (7). Last evaluated 2026-01-12.

Conditions:
Cardiovascular phenotype. Identifiers: MedGen CN230736.
Telangiectasia, hereditary hemorrhagic, type 2 (HHT2). Also called: ACVRL1-Related Hereditary Hemorrhagic Telangiectasia; Telangiectasia, hereditary hemorrhagic, type II. Identifiers: Orphanet 774, MedGen C1838163, MONDO:0010880, OMIM 600376. Disease mechanism: loss of function.

Allele frequency attached by ClinVar (database versions not stated): gnomAD exomes below 0.00001.

Submissions (7):

GeneDx
Classification: Pathogenic. Last evaluated: 2026-01-12. Review status: criteria provided, single submitter. Criteria: GeneDx Variant Classification Process June 2021. Collection method: clinical testing. Allele origin: germline. Affected: yes.
Comment: Identified in patients with HHT referred for genetic testing at GeneDx and in published literature (PMID: 21158752, 20414677, 32300199); Not observed at significant frequency in large population cohorts (gnomAD); Nonsense variant predicted to result in protein truncation or nonsense mediated decay in a gene for which loss of function is a known mechanism of disease; This variant is associated with the following publications: (PMID: 25525159, 21158752, 20414677, 32300199)

Labcorp Genetics (formerly Invitae), Labcorp
Classification: Pathogenic for Telangiectasia, hereditary hemorrhagic, type 2. Last evaluated: 2025-12-31. Review status: criteria provided, single submitter. Criteria: Invitae Variant Classification Sherloc (09022015). Collection method: clinical testing. Allele origin: germline.
Comment: This sequence change creates a premature translational stop signal (p.Gln201*) in the ACVRL1 gene. It is expected to result in an absent or disrupted protein product. Loss-of-function variants in ACVRL1 are known to be pathogenic (PMID: 15879500). This variant is present in population databases (no rsID available, gnomAD 0.0009%). This premature translational stop signal has been observed in individual(s) with hereditary hemorrhagic telangiectasia (PMID: 21158752). ClinVar contains an entry for this variant (Variation ID: 523779). Algorithms developed to predict the effect of sequence changes on RNA splicing suggest that this variant may disrupt the consensus splice site. For these reasons, this variant has been classified as Pathogenic.

Mayo Clinic Laboratories, Mayo Clinic
Classification: Pathogenic. Last evaluated: 2025-10-09. Review status: criteria provided, single submitter. Criteria: ACMG Guidelines, 2015. Collection method: clinical testing. Allele origin: germline. Observed: 3 variant alleles.
Comment: PP4_moderate, PM2_supporting, PS4_moderate, PVS1

Ambry Genetics
Classification: Pathogenic for Cardiovascular phenotype. Last evaluated: 2025-05-01. Review status: criteria provided, single submitter. Criteria: Ambry Variant Classification Scheme 2023. Collection method: clinical testing. Allele origin: germline.
Comment: The p.Q201* pathogenic mutation (also known as c.601C>T), located in coding exon 4 of the ACVRL1 gene, results from a C to T substitution at nucleotide position 601. This changes the amino acid from a glutamine to a stop codon within coding exon 4. This variant was reported in individual(s) with features consistent with hereditary hemorrhagic telangiectasia (Richards-Yutz J et al. Hum. Genet., 2010 Jul;128:61-77). In addition to the clinical data presented in the literature, this alteration is expected to result in loss of function by premature protein truncation or nonsense-mediated mRNA decay. As such, this alteration is interpreted as a disease-causing mutation.

ARUP Laboratories, Molecular Genetics and Genomics, ARUP Laboratories
Classification: Pathogenic for Telangiectasia, hereditary hemorrhagic, type 2. Last evaluated: 2024-03-14. Review status: criteria provided, single submitter. Criteria: ARUP Molecular Germline Variant Investigation Process 2024. Collection method: clinical testing. Allele origin: germline.
Comment: The ACVRL1 c.601C>T; p.Gln201Ter variant (rs1318446539, ClinVar Variation ID: 523779), is reported in the literature in individuals affected with hereditary hemorrhagic telangiectasia (McDonald 2011, Richards-Yutz 2010). This variant is only found on one allele in the Genome Aggregation Database (v2.1.1), indicating it is not a common polymorphism. This variant induces an early termination codon and is predicted to result in a truncated protein or mRNA subject to nonsense-mediated decay. Based on available information, the p.Gln201Ter variant is considered to be pathogenic. References: McDonald J et al. Molecular diagnosis in hereditary hemorrhagic telangiectasia: findings in a series tested simultaneously by sequencing and deletion/duplication analysis. Clin Genet. 2011 Apr;79(4):335-44. PMID: 21158752. Richards-Yutz J et al. Update on molecular diagnosis of hereditary hemorrhagic telangiectasia. Hum Genet. 2010 Jul;128(1):61-77. PMID: 20414677.

Revvity Omics, Revvity
Classification: Pathogenic for Telangiectasia, hereditary hemorrhagic, type 2. Last evaluated: 2022-05-17. Review status: criteria provided, single submitter. Criteria: ACMG Guidelines, 2015. Collection method: clinical testing. Allele origin: germline.

Fulgent Genetics
Classification: Pathogenic for Telangiectasia, hereditary hemorrhagic, type 2. Last evaluated: 2018-10-31. Review status: criteria provided, single submitter. Criteria: ACMG Guidelines, 2015. Collection method: clinical testing. Allele origin: unknown.

Literature cited by the submitters: PubMed 15879500 (cited by Labcorp Genetics (formerly Invitae), Labcorp); PubMed 21158752 (cited by Labcorp Genetics (formerly Invitae), Labcorp and Mayo Clinic Laboratories, Mayo Clinic); PubMed 20414677 (cited by Mayo Clinic Laboratories, Mayo Clinic and Ambry Genetics).